The following is an entry in ClinVar:

ClinVar aggregate classification (germline): Uncertain significance. Review status: criteria provided, multiple submitters, no conflicts (2 of 4 stars). 2 submissions from 2 submitters: Uncertain significance (2). Last evaluated 2025-07-28.

Conditions:
Leber congenital amaurosis 13 (LCA13). Identifiers: MedGen C2675186, MONDO:0012990, OMIM 612712.

Allele frequency attached by ClinVar (database versions not stated): gnomAD 0.00001; gnomAD exomes 0.00001; TOPMed 0.00001.
gnomAD v4.1: 14 of 1,613,334 alleles (0.00087%); highest among the groups gnomAD compares: Non-Finnish European, 0.0011%; no homozygotes.

Submissions (2):

Labcorp Genetics (formerly Invitae), Labcorp
Classification: Uncertain significance for Leber congenital amaurosis 13. Last evaluated: 2025-07-28. Review status: criteria provided, single submitter. Criteria: Invitae Variant Classification Sherloc (09022015). Collection method: clinical testing. Allele origin: germline.
Comment: This sequence change replaces arginine, which is basic and polar, with histidine, which is basic and polar, at codon 302 of the RDH12 protein (p.Arg302His). This variant is not present in population databases (gnomAD no frequency). This variant has not been reported in the literature in individuals affected with RDH12-related conditions. ClinVar contains an entry for this variant (Variation ID: 2155467). Invitae Evidence Modeling of protein sequence and biophysical properties (such as structural, functional, and spatial information, amino acid conservation, physicochemical variation, residue mobility, and thermodynamic stability) indicates that this missense variant is not expected to disrupt RDH12 protein function with a negative predictive value of 80%. In summary, the available evidence is currently insufficient to determine the role of this variant in disease. Therefore, it has been classified as a Variant of Uncertain Significance.

Blueprint Genetics
Classification: Uncertain significance. Last evaluated: 2022-06-24. Review status: criteria provided, single submitter. Criteria: ACMG Guidelines, 2015. Collection method: clinical testing. Allele origin: germline.

NM_152443.3(RDH12):c.905G>A (p.Arg302His)

Genes: GPHN (gephyrin; plus strand), RDH12 (retinol dehydrogenase 12; plus strand), ZFYVE26 (zinc finger FYVE-type containing 26; minus strand). Cytogenetic location: 14q24.1.
Variant type: single nucleotide variant.
Coding change: c.905G>A on transcript NM_152443.3 (MANE Select); coding-DNA position 905, G replaced by A.
Protein change: p.Arg302His; replaces arginine 302 with histidine.
Molecular consequence: missense variant.
Genome position (GRCh38, 1-based): chr14:67,733,802, G>A. VCF-style: chr14-67733802-G-A. GRCh37 (hg19) VCF-style: chr14-68200519-G-A.
Other names: short protein forms R302H.
Identifiers: ClinVar variation 2155467 (VCV002155467.4), dbSNP rs1428608501, ClinGen allele CA390154204.